The following is an entry in ClinVar:

ClinVar aggregate classification (germline): Pathogenic (1 of 4 stars; one submission).

Submission:

GeneDx
Classification: Pathogenic. Last evaluated: 2019-06-20. Review status: criteria provided, single submitter. Criteria: GeneDx Variant Classification Process June 2021. Collection method: clinical testing. Allele origin: germline. Affected: yes.
Comment: Frameshift variant predicted to result in protein truncation or nonsense mediated decay in a gene for which loss-of-function is a known mechanism of disease; Not observed in large population cohorts (Lek et al., 2016); Has not been previously published as pathogenic or benign to our knowledge

NM_001204.7(BMPR2):c.1091del (p.Val364fs)

Gene: BMPR2 (bone morphogenetic protein receptor type 2; plus strand). Cytogenetic location: 2q33.2.
Variant type: Deletion.
Coding change: c.1091del on transcript NM_001204.7 (MANE Select); coding-DNA position 1091, one base deleted (T; older notation c.1091delT).
Protein change: p.Val364fs; shifts the reading frame from valine 364.
Molecular consequence: frameshift variant.
Genome position (GRCh38, 1-based): chr2:202,530,917, T deleted. VCF-style (leftmost placement, unchanged base first): chr2-202530916-GT-G. GRCh37 (hg19) VCF-style: chr2-203395639-GT-G.
Other names: short protein forms V364fs.
Identifiers: ClinVar variation 1195010 (VCV001195010.2), dbSNP rs2106018209, ClinGen allele CA2499215572.